The following is an entry in ClinVar:

NM_000535.7(PMS2):c.2174+4A>G

Gene: PMS2 (PMS1 homolog 2, mismatch repair system component; minus strand). Cytogenetic location: 7p22.1.
Variant type: single nucleotide variant.
Coding change: c.2174+4A>G on transcript NM_000535.7 (MANE Select); 4 bases into the intron after coding-DNA position 2174, A replaced by G.
Molecular consequence: intron variant.
Genome position (GRCh38, 1-based): chr7:5,982,820, T>C on the plus strand (A>G on the coding strand, the complement: PMS2 is on the minus strand). VCF-style: chr7-5982820-T-C. GRCh37 (hg19) VCF-style: chr7-6022451-T-C.
Other names: c.1856+4A>G (NM_001322008.2, NM_001322007.2); c.1613+4A>G (NM_001322010.2); c.1769+4A>G (NM_001322004.2, NM_001322003.2, NM_001322009.2 and 1 more transcripts); c.1601+4A>G (NM_001322013.2); c.1241+4A>G (NM_001322012.2, NM_001322011.2); c.1865+4A>G (NM_001322015.2); c.2018+4A>G (NM_001322006.2); c.2174+4A>G (NM_001322014.2).
Identifiers: ClinVar variation 1787148 (VCV001787148.3), dbSNP rs2128702068, ClinGen allele CA2580076743.
Genomic context (GRCh38, chr7:5,982,820, plus strand): 5'-CCTTGGCCTCTATTAGATCTTCAATTTGAGGGGGAGTCTGGGAATGAACACTAAACACAC[T>C]CACGCTATGAGCCTCTGCCCCTGGAGCACGGTGTGCTGCTGCAGCATCTCGAAGTTATAC-3'

ClinVar aggregate classification (germline): Uncertain significance (1 of 4 stars; one submission).

Conditions:
Hereditary cancer-predisposing syndrome. Also called: Tumor predisposition; Hereditary Cancer Syndrome; Hereditary neoplastic syndrome; Neoplastic Syndromes, Hereditary. Identifiers: Orphanet 140162, MedGen C0027672, MeSH D009386, MONDO:0015356.

Submission:

Ambry Genetics
Classification: Uncertain significance for Hereditary cancer-predisposing syndrome. Last evaluated: 2026-02-18. Review status: criteria provided, single submitter. Criteria: Ambry Variant Classification Scheme 2023. Collection method: clinical testing. Allele origin: germline.
Comment: The c.2174+4A>G intronic variant results from an A to G substitution 4 nucleotides after coding exon 12 in the PMS2 gene. This nucleotide position is well conserved in available vertebrate species. In silico splice site analysis predicts that this alteration will weaken the native splice donor site and may result in the creation or strengthening of a novel splice donor site. Based on the available evidence, the clinical significance of this variant remains unclear.